The following is an entry in ClinVar:

ClinVar aggregate classification (germline): Uncertain significance (1 of 4 stars; one submission).

Conditions:
CPE-related disorder. Also called: CPE-related condition.

gnomAD v4.1: 1 of 1,613,930 alleles (0.000062%); highest among the groups gnomAD compares: Non-Finnish European, 0.000085%; no homozygotes.

Submission:

PreventionGenetics, part of Exact Sciences
Classification: Uncertain significance for CPE-related condition. Last evaluated: 2025-09-05. Review status: criteria provided, single submitter. Criteria: ACMG Guidelines, 2015. Collection method: clinical testing. Allele origin: germline.
Comment: The CPE c.1113G>A variant is not predicted to result in an amino acid change (p.=). This variant is located at the last nucleotide of exon 6 and predicted to alter splicing based on available splicing prediction programs (SpliceAI, Jaganathan et al. 2019. PubMed ID: 30661751). However, such computer prediction programs are imperfect. To our knowledge, this variant has not been reported in the literature or in a large population database (gnomAD), indicating this variant is rare. At this time, the clinical significance of this variant is uncertain due to the absence of conclusive functional and genetic evidence.

NM_001873.4(CPE):c.1113G>A (p.Gln371=)

Gene: CPE (carboxypeptidase E; plus strand). Cytogenetic location: 4q32.3.
Variant type: single nucleotide variant.
Coding change: c.1113G>A on transcript NM_001873.4 (MANE Select); coding-DNA position 1113, G replaced by A.
Protein change: p.Gln371=; no amino-acid change (glutamine 371 retained).
Molecular consequence: synonymous variant.
Genome position (GRCh38, 1-based): chr4:165,487,577, G>A. VCF-style: chr4-165487577-G-A. GRCh37 (hg19) VCF-style: chr4-166408729-G-A.
Identifiers: ClinVar variation 4986477 (VCV004986477.1).